The following is an entry in ClinVar:

ClinVar aggregate classification (germline): Uncertain significance (1 of 4 stars; one submission).

Allele frequency attached by ClinVar (database versions not stated): gnomAD exomes 0.00001.
gnomAD v4.1: 8 of 1,600,750 alleles (0.0005%); highest among the groups gnomAD compares: East Asian, 0.0023%; no homozygotes.

Submission:

Labcorp Genetics (formerly Invitae), Labcorp
Classification: Uncertain significance. Last evaluated: 2021-08-16. Review status: criteria provided, single submitter. Criteria: Invitae Variant Classification Sherloc (09022015). Collection method: clinical testing. Allele origin: germline.
Comment: This sequence change affects codon 54 of the PRDX1 mRNA. It is a 'silent' change, meaning that it does not change the encoded amino acid sequence of the PRDX1 protein. This variant is not present in population databases (ExAC no frequency). This variant has not been reported in the literature in individuals affected with PRDX1-related conditions. Algorithms developed to predict the effect of sequence changes on RNA splicing suggest that this variant may create or strengthen a splice site. In summary, the available evidence is currently insufficient to determine the role of this variant in disease. Therefore, it has been classified as a Variant of Uncertain Significance.

NM_181697.3(PRDX1):c.162G>A (p.Thr54=)

Gene: PRDX1 (peroxiredoxin 1; minus strand). Cytogenetic location: 1p34.1.
Variant type: single nucleotide variant.
Coding change: c.162G>A on transcript NM_181697.3 (MANE Select); coding-DNA position 162, G replaced by A.
Protein change: p.Thr54=; no amino-acid change (threonine 54 retained).
Molecular consequence: synonymous variant.
Genome position (GRCh38, 1-based): chr1:45,515,752, C>T on the plus strand (G>A on the coding strand, the complement: PRDX1 is on the minus strand). VCF-style: chr1-45515752-C-T. GRCh37 (hg19) VCF-style: chr1-45981424-C-T.
Other names: c.162G>A, p.Thr54= (NM_001202431.2, NM_002574.4, NM_181696.3).
Identifiers: ClinVar variation 1472040 (VCV001472040.6), dbSNP rs1182536065, ClinGen allele CA417706504.